The following is an entry in ClinVar:

NM_138420.4(AHNAK2):c.3052A>G (p.Lys1018Glu)

Gene: AHNAK2 (AHNAK nucleoprotein 2; minus strand). Cytogenetic location: 14q32.33.
Variant type: single nucleotide variant.
Coding change: c.3052A>G on transcript NM_138420.4 (MANE Select); coding-DNA position 3052, A replaced by G.
Protein change: p.Lys1018Glu; replaces lysine 1018 with glutamic acid.
Molecular consequence: missense variant.
Genome position (GRCh38, 1-based): chr14:104,952,399, T>C on the plus strand (A>G on the coding strand, the complement: AHNAK2 is on the minus strand). VCF-style: chr14-104952399-T-C. GRCh37 (hg19) VCF-style: chr14-105418736-T-C.
Other names: c.2752A>G, p.Lys918Glu (NM_001350929.2); short protein forms K1018E, K918E.
Identifiers: ClinVar variation 3341668 (VCV003341668.16).
Genomic context (GRCh38, chr14:104,952,399, plus strand): 5'-GCATGGAGGGGAGACTCAGGTCGGCCTCCACCTTGGGTGCAGACACATCCACCAAGGCCT[T>C]GATGGACTTCCCTGGGGCCGATACCCCGAACGACGGCATCTTGAACTTGGGCATTTTGAA-3'
Protein context (NP_612429.2, residues 1008-1028): FGVSAPGKSI[Lys1018Glu]ALVDVSAPKV

ClinVar aggregate classification (germline): Likely benign (1 of 4 stars; one submission).

Submission:

CeGaT Center for Human Genetics Tuebingen
Classification: Likely benign. Last evaluated: 2024-08-01. Review status: criteria provided, single submitter. Criteria: CeGaT Center For Human Genetics Tuebingen Variant Classification Criteria Version 2. Collection method: clinical testing. Allele origin: germline. Affected: yes. Observed: 1 variant allele.
Comment: AHNAK2: BP4